The following is an entry in ClinVar:

ClinVar aggregate classification (germline): Pathogenic/Likely pathogenic. Review status: criteria provided, multiple submitters, no conflicts (2 of 4 stars). 3 submissions from 3 submitters: Pathogenic (1); Likely pathogenic (1). 1 of the submissions does not count toward it. Last evaluated 2025-10-28.

Conditions:
COL1A2-related disorder. Also called: COL1A2-related condition; COL1A2-Related Disorders.
Osteogenesis imperfecta type I (OI1). Also called: OI, TYPE I; OSTEOGENESIS IMPERFECTA TARDA; OSTEOGENESIS IMPERFECTA WITH BLUE SCLERAE; Osteogenesis imperfecta type 1; Classic Non-deforming Osteogenesis Imperfecta with Blue Sclerae; Lobstein's Disease. Identifiers: Orphanet 216796, Orphanet 666, MedGen C0023931, MONDO:0008146, OMIM 166200. Disease mechanism: loss of function.
Ehlers-Danlos syndrome, classic type, 1 (EDSCL1). Also called: Ehlers-Danlos Syndrome, Classic Type, COL5A1-Related; EHLERS-DANLOS SYNDROME, GRAVIS TYPE; EHLERS-DANLOS SYNDROME, SEVERE CLASSIC TYPE; Ehlers-Danlos syndrome, type 1; EDS I. Identifiers: MedGen C0268335, MONDO:0019567, OMIM 130000.

Allele frequency attached by ClinVar (database versions not stated): gnomAD exomes below 0.00001.
gnomAD v4.1: 2 of 1,613,864 alleles (0.00012%); highest among the groups gnomAD compares: Admixed American, 0.0017%; no homozygotes.

Submissions (3):

Labcorp Genetics (formerly Invitae), Labcorp
Classification: Likely pathogenic for Osteogenesis imperfecta type I; Ehlers-Danlos syndrome, classic type, 1. Last evaluated: 2025-10-28. Review status: criteria provided, single submitter. Criteria: Invitae Variant Classification Sherloc (09022015). Collection method: clinical testing. Allele origin: germline.
Comment: This sequence change replaces glycine, which is neutral and non-polar, with arginine, which is basic and polar, at codon 151 of the COL1A2 protein (p.Gly151Arg). This variant is present in population databases (no rsID available, gnomAD 0.003%). This variant has not been reported in the literature in individuals affected with COL1A2-related conditions. ClinVar contains an entry for this variant (Variation ID: 2152136). Invitae Evidence Modeling of protein sequence and biophysical properties (such as structural, functional, and spatial information, amino acid conservation, physicochemical variation, residue mobility, and thermodynamic stability) indicates that this missense variant is expected to disrupt COL1A2 protein function with a positive predictive value of 95%. This variant disrupts the triple helix domain of COL1A2. Glycine residues within the Gly-Xaa-Yaa repeats of the triple helix domain are required for the structure and stability of fibrillar collagens (PMID: 7695699, 8218237, 19344236). In COL1A2, variants affecting these glycine residues are significantly enriched in individuals with disease (PMID: 9016532, 17078022) compared to the general population (ExAC). In summary, the currently available evidence indicates that the variant is pathogenic, but additional data are needed to prove that conclusively. Therefore, this variant has been classified as Likely Pathogenic.

Clinical Biomedical Laboratory, Shriners Hospital For Children - Canada
Classification: Pathogenic for Osteogenesis imperfecta type I. Last evaluated: 2025-07-16. Review status: criteria provided, single submitter. Criteria: ACMG Guidelines, 2015. Collection method: clinical testing. Allele origin: germline. Affected: yes.
Comment: This variant is predicted to substitute a glycine residue by an arginine residue in the triple helical domain of the collagen type I alpha 2 chain. This variant is very rare in the Genome Aggregation Database (v2.1.1). Computational tools (Revel 0.95) suggest that the amino acid change is damaging to protein function. Glycine substitutions in the triple helical domain of collagen type I alpha 2 chain cause disruption in the formation of the triple helix in the collagen type I molecule and are a typical cause of osteogenesis imperfecta (PMID 27509835). However, variants in this domain of the collagen type I alpha 2 chain have also been reported to cause considerable joint and skin hyperlaxity, leading to a diagnosis of Ehlers-Danlos/Osteogenesis Imperfecta overlap syndrome (PMID 23692737).

PreventionGenetics, part of Exact Sciences
Classification: Likely pathogenic for COL1A2-related condition. Last evaluated: 2024-07-29. Review status: no assertion criteria provided. Collection method: clinical testing. Allele origin: germline. Not counted in ClinVar's aggregate classification.
Comment: The COL1A2 c.451G>A variant is predicted to result in the amino acid substitution p.Gly151Arg. To our knowledge, this variant has not been reported in literature. The p.Gly151 residue is located in the conserved Gly-Xaa-Yaa triple helical domain where substitutions of a glycine are usually pathogenic (Marini et al. 2007. PubMed ID: 17078022). This variant is reported in one allele (0.0029%) in individuals of Latino descent in gnomAD. This variant is interpreted as likely pathogenic.

Literature cited by the submitters: PubMed 7695699 (cited by Labcorp Genetics (formerly Invitae), Labcorp); PubMed 8218237 (cited by Labcorp Genetics (formerly Invitae), Labcorp); PubMed 19344236 (cited by Labcorp Genetics (formerly Invitae), Labcorp); PubMed 9016532 (cited by Labcorp Genetics (formerly Invitae), Labcorp); PubMed 17078022 (cited by Labcorp Genetics (formerly Invitae), Labcorp); PubMed 23692737 (cited by Clinical Biomedical Laboratory, Shriners Hospital For Children - Canada); PubMed 27509835 (cited by Clinical Biomedical Laboratory, Shriners Hospital For Children - Canada).

NM_000089.4(COL1A2):c.451G>A (p.Gly151Arg)

Gene: COL1A2 (collagen type I alpha 2 chain; plus strand). Cytogenetic location: 7q21.3.
Variant type: single nucleotide variant.
Coding change: c.451G>A on transcript NM_000089.4 (MANE Select); coding-DNA position 451, G replaced by A.
Protein change: p.Gly151Arg; replaces glycine 151 with arginine.
Molecular consequence: missense variant.
Genome position (GRCh38, 1-based): chr7:94,405,217, G>A. VCF-style: chr7-94405217-G-A. GRCh37 (hg19) VCF-style: chr7-94034529-G-A.
Other names: short protein forms G151R.
Identifiers: ClinVar variation 2152136 (VCV002152136.6), dbSNP rs1381927942, ClinGen allele CA368219797.